The following is an entry in ClinVar:

ClinVar aggregate classification (germline): Likely benign (1 of 4 stars; one submission).

Allele frequency attached by ClinVar (database versions not stated): gnomAD 0.00003; TOPMed below 0.00001.

Submission:

GeneDx
Classification: Likely benign. Last evaluated: 2017-10-23. Review status: criteria provided, single submitter. Criteria: GeneDx Variant Classification (06012015). Collection method: clinical testing. Allele origin: germline. Affected: yes.
Comment: This variant is considered likely benign or benign based on one or more of the following criteria: it is a conservative change, it occurs at a poorly conserved position in the protein, it is predicted to be benign by multiple in silico algorithms, and/or has population frequency not consistent with disease.

NM_001080779.2(MYO1C):c.2487G>A (p.Leu829=)

Gene: MYO1C (myosin IC; minus strand). Cytogenetic location: 17p13.3.
Variant type: single nucleotide variant.
Coding change: c.2487G>A on transcript NM_001080779.2 (MANE Select); coding-DNA position 2487, G replaced by A.
Protein change: p.Leu829=; no amino-acid change (leucine 829 retained).
Molecular consequence: synonymous variant.
Genome position (GRCh38, 1-based): chr17:1,470,214, C>T on the plus strand (G>A on the coding strand, the complement: MYO1C is on the minus strand). VCF-style: chr17-1470214-C-T. GRCh37 (hg19) VCF-style: chr17-1373508-C-T.
Other names: c.2430G>A, p.Leu810= (NM_001080950.2); c.2415G>A, p.Leu805= (NM_001363855.1); c.2382G>A, p.Leu794= (NM_033375.5).
Identifiers: ClinVar variation 512849 (VCV000512849.1), dbSNP rs1367640741, ClinGen allele CA497280308.